The following is an entry in ClinVar:

ClinVar aggregate classification (germline): Uncertain significance (1 of 4 stars; one submission).

gnomAD v4.1: 10 of 1,612,348 alleles (0.00062%); highest among the groups gnomAD compares: Non-Finnish European, 0.00085%; no homozygotes.

Submission:

Labcorp Genetics (formerly Invitae), Labcorp
Classification: Uncertain significance. Last evaluated: 2024-12-16. Review status: criteria provided, single submitter. Criteria: Invitae Variant Classification Sherloc (09022015). Collection method: clinical testing. Allele origin: germline.
Comment: This sequence change replaces threonine, which is neutral and polar, with alanine, which is neutral and non-polar, at codon 847 of the RBBP8 protein (p.Thr847Ala). This variant is present in population databases (no rsID available, gnomAD 0.002%). This variant has not been reported in the literature in individuals affected with RBBP8-related conditions. Invitae Evidence Modeling of protein sequence and biophysical properties (such as structural, functional, and spatial information, amino acid conservation, physicochemical variation, residue mobility, and thermodynamic stability) indicates that this missense variant is expected to disrupt RBBP8 protein function with a positive predictive value of 80%. Experimental studies have shown that this missense change affects RBBP8 function (PMID: 19202191, 19357644, 21087997). In summary, the available evidence is currently insufficient to determine the role of this variant in disease. Therefore, it has been classified as a Variant of Uncertain Significance.

Literature cited by the submitters: PubMed 19202191; PubMed 19357644; PubMed 21087997.

NM_002894.3(RBBP8):c.2539A>G (p.Thr847Ala)

Gene: RBBP8 (RB binding protein 8, endonuclease; plus strand). Cytogenetic location: 18q11.2.
Variant type: single nucleotide variant.
Coding change: c.2539A>G on transcript NM_002894.3 (MANE Select); coding-DNA position 2539, A replaced by G.
Protein change: p.Thr847Ala; replaces threonine 847 with alanine.
Molecular consequence: missense variant. On other transcripts: synonymous variant (1).
Genome position (GRCh38, 1-based): chr18:23,022,213, A>G. VCF-style: chr18-23022213-A-G. GRCh37 (hg19) VCF-style: chr18-20602176-A-G.
Other names: c.2539A>G, p.Thr847Ala (NM_203291.2); c.2442A>G, p.Thr814= (NM_203292.2); short protein forms T847A.
Identifiers: ClinVar variation 3667366 (VCV003667366.2).